The following is an entry in ClinVar:

NM_002184.4(IL6ST):c.32C>G (p.Ala11Gly)

Gene: IL6ST (interleukin 6 cytokine family signal transducer; minus strand). Cytogenetic location: 5q11.2.
Variant type: single nucleotide variant.
Coding change: c.32C>G on transcript NM_002184.4 (MANE Select); coding-DNA position 32, C replaced by G.
Protein change: p.Ala11Gly; replaces alanine 11 with glycine.
Molecular consequence: missense variant. On other transcripts: 5 prime UTR variant (3), non-coding transcript variant (2).
Genome position (GRCh38, 1-based): chr5:55,976,247, G>C on the plus strand (C>G on the coding strand, the complement: IL6ST is on the minus strand). VCF-style: chr5-55976247-G-C. GRCh37 (hg19) VCF-style: chr5-55272075-G-C.
Other names: c.32C>G, p.Ala11Gly (NM_001190981.2, NM_001364275.2, NM_001364276.2 and 1 more transcripts); c.-761C>G (NM_001364277.2, NM_001364279.2); c.-751C>G (NM_001364278.2); c.32C>G (NM_002184.3); short protein forms A11G.
Identifiers: ClinVar variation 1400733 (VCV001400733.9), dbSNP rs778516584, ClinGen allele CA3271788.
Genomic context (GRCh38, chr5:55,976,247, plus strand): 5'-AGAAGATAGGGTATTTCATGAACCTTACCTGTAGATTCAGTGGTGAGGAAAATAAACAAG[G>C]CTTGCACTAGCCAAGTCTGCAACGTCAACATCTTGCGCGGATATTTCTGCAACAGACACA-3'
Protein context (NP_002175.2, residues 1-21): MLTLQTWLVQ[Ala11Gly]LFIFLTTEST

ClinVar aggregate classification (germline): Uncertain significance. Review status: criteria provided, multiple submitters, no conflicts (2 of 4 stars). 3 submissions from 3 submitters: Uncertain significance (3). Last evaluated 2025-09-28.

Allele frequency attached by ClinVar (database versions not stated): TOPMed 0.00004; gnomAD exomes 0.00006; ExAC 0.00008.
gnomAD v4.1: 68 of 1,588,910 alleles (0.0043%); highest among the groups gnomAD compares: Admixed American, 0.007%; no homozygotes.

Submissions (3):

Labcorp Genetics (formerly Invitae), Labcorp
Classification: Uncertain significance. Last evaluated: 2025-09-28. Review status: criteria provided, single submitter. Criteria: Invitae Variant Classification Sherloc (09022015). Collection method: clinical testing. Allele origin: germline.
Comment: This sequence change replaces alanine, which is neutral and non-polar, with glycine, which is neutral and non-polar, at codon 11 of the IL6ST protein (p.Ala11Gly). This variant is present in population databases (rs778516584, gnomAD 0.01%). This variant has not been reported in the literature in individuals affected with IL6ST-related conditions. ClinVar contains an entry for this variant (Variation ID: 1400733). An algorithm developed to predict the effect of missense changes on protein structure and function (PolyPhen-2) suggests that this variant is likely to be tolerated. In summary, the available evidence is currently insufficient to determine the role of this variant in disease. Therefore, it has been classified as a Variant of Uncertain Significance.

Blueprint Genetics
Classification: Uncertain significance. Last evaluated: 2024-09-19. Review status: criteria provided, single submitter. Criteria: ACMG Guidelines, 2015. Collection method: clinical testing. Allele origin: germline.

Ambry Genetics
Classification: Uncertain significance. Last evaluated: 2024-07-16. Review status: criteria provided, single submitter. Criteria: Ambry Variant Classification Scheme 2023. Collection method: clinical testing. Allele origin: germline.